The following is an entry in ClinVar:

ClinVar aggregate classification (germline): Benign (1 of 4 stars; one submission).

Allele frequency attached by ClinVar (database versions not stated): gnomAD 0.07811 and 0.07812; 1000 Genomes Project 30x 0.07995; 1000 Genomes Project 0.08127; TOPMed 0.08522.
gnomAD v4.1: 11,928 of 151,026 alleles (7.9%); highest among the groups gnomAD compares: Middle Eastern, 21%; 536 homozygotes.

Submission:

GeneDx
Classification: Benign. Last evaluated: 2018-06-14. Review status: criteria provided, single submitter. Criteria: GeneDx Variant Classification (06012015). Collection method: clinical testing. Allele origin: germline. Affected: yes.
Comment: This variant is considered likely benign or benign based on one or more of the following criteria: it is a conservative change, it occurs at a poorly conserved position in the protein, it is predicted to be benign by multiple in silico algorithms, and/or has population frequency not consistent with disease.

NM_000722.4(CACNA2D1):c.2308+209C>T

Gene: CACNA2D1 (calcium voltage-gated channel auxiliary subunit alpha2delta 1; minus strand). Cytogenetic location: 7q21.11.
Variant type: single nucleotide variant.
Coding change: c.2308+209C>T on transcript NM_000722.4 (MANE Select); 209 bases into the intron after coding-DNA position 2308, C replaced by T.
Molecular consequence: intron variant.
Genome position (GRCh38, 1-based): chr7:81,969,672, G>A on the plus strand (C>T on the coding strand, the complement: CACNA2D1 is on the minus strand). VCF-style: chr7-81969672-G-A. GRCh37 (hg19) VCF-style: chr7-81598988-G-A.
Other names: c.2344+209C>T (NM_001366867.1).
Identifiers: ClinVar variation 674767 (VCV000674767.1), dbSNP rs75520100, ClinGen allele CA161123852.